The following is an entry in ClinVar:

ClinVar aggregate classification (germline): Uncertain significance (1 of 4 stars; one submission).

Allele frequency attached by ClinVar (database versions not stated): TOPMed below 0.00001; gnomAD 0.00001; gnomAD exomes 0.00001.
gnomAD v4.1: 9 of 1,614,040 alleles (0.00056%); highest among the groups gnomAD compares: Middle Eastern, 0.016%; no homozygotes.

Submission:

Labcorp Genetics (formerly Invitae), Labcorp
Classification: Uncertain significance. Last evaluated: 2021-05-30. Review status: criteria provided, single submitter. Criteria: Invitae Variant Classification Sherloc (09022015). Collection method: clinical testing. Allele origin: germline.
Comment: This sequence change replaces tyrosine with cysteine at codon 797 of the SORL1 protein (p.Tyr797Cys). The tyrosine residue is highly conserved and there is a large physicochemical difference between tyrosine and cysteine. In summary, the available evidence is currently insufficient to determine the role of this variant in disease. Therefore, it has been classified as a Variant of Uncertain Significance. Algorithms developed to predict the effect of sequence changes on RNA splicing suggest that this variant may create or strengthen a splice site, but this prediction has not been confirmed by published transcriptional studies. Algorithms developed to predict the effect of missense changes on protein structure and function are either unavailable or do not agree on the potential impact of this missense change (SIFT: "Deleterious"; PolyPhen-2: "Probably Damaging"; Align-GVGD: "Class C0"). This variant has not been reported in the literature in individuals with SORL1-related conditions. This variant is not present in population databases (ExAC no frequency).

NM_003105.6(SORL1):c.2390A>G (p.Tyr797Cys)

Genes: SORL1 (sortilin related receptor 1; plus strand), LOC114803469 (SORL1 eExon liver enhancer; plus strand). Cytogenetic location: 11q24.1.
Variant type: single nucleotide variant.
Coding change: c.2390A>G on transcript NM_003105.6 (MANE Select); coding-DNA position 2390, A replaced by G.
Protein change: p.Tyr797Cys; replaces tyrosine 797 with cysteine.
Molecular consequence: missense variant.
Genome position (GRCh38, 1-based): chr11:121,554,060, A>G. VCF-style: chr11-121554060-A-G. GRCh37 (hg19) VCF-style: chr11-121424769-A-G.
Other names: short protein forms Y797C.
Identifiers: ClinVar variation 1487644 (VCV001487644.8), dbSNP rs199951452, ClinGen allele CA383033870.